The following is an entry in ClinVar:

NM_031407.7(HUWE1):c.8791T>A (p.Ser2931Thr)

Gene: HUWE1 (HECT, UBA and WWE domain containing E3 ubiquitin protein ligase 1; minus strand). Cytogenetic location: Xp11.22.
Variant type: single nucleotide variant.
Coding change: c.8791T>A on transcript NM_031407.7 (MANE Select); coding-DNA position 8791, T replaced by A.
Protein change: p.Ser2931Thr; replaces serine 2931 with threonine.
Molecular consequence: missense variant.
Genome position (GRCh38, 1-based): chrX:53,552,401, A>T on the plus strand (T>A on the coding strand, the complement: HUWE1 is on the minus strand). VCF-style: chrX-53552401-A-T. GRCh37 (hg19) VCF-style: chrX-53579362-A-T.
Other names: c.8791T>A, p.Ser2931Thr (NM_001441049.1, NM_001441054.1, NM_001441057.1); c.8812T>A, p.Ser2938Thr (NM_001441050.1, NM_001441055.1); c.8788T>A, p.Ser2930Thr (NM_001441051.1, NM_001441053.1, NM_001441056.1 and 2 more transcripts); c.8389T>A, p.Ser2797Thr (NM_001441052.1); short protein forms S2797T, S2930T, S2931T, S2938T.
Identifiers: ClinVar variation 4822827 (VCV004822827.4).

ClinVar aggregate classification (germline): Uncertain significance (1 of 4 stars; one submission).

Submission:

CeGaT Center for Human Genetics Tuebingen
Classification: Uncertain significance. Last evaluated: 2026-01-01. Review status: criteria provided, single submitter. Criteria: CeGaT Center For Human Genetics Tuebingen Variant Classification Criteria Version 2. Collection method: clinical testing. Allele origin: germline. Affected: yes. Observed: 1 variant allele.
Comment: HUWE1: PM2, PP2